The following is an entry in ClinVar:

ClinVar aggregate classification (germline): Likely pathogenic (1 of 4 stars; one submission).

Conditions:
Primary ciliary dyskinesia. Also called: Ciliary dyskinesia. Identifiers: Orphanet 244, MedGen C0008780, MONDO:0016575, HP:0012265.

Submission:

Labcorp Genetics (formerly Invitae), Labcorp
Classification: Likely pathogenic for Primary ciliary dyskinesia. Last evaluated: 2025-10-21. Review status: criteria provided, single submitter. Criteria: Invitae Variant Classification Sherloc (09022015). Collection method: clinical testing. Allele origin: germline.
Comment: This sequence change affects a splice site in intron 71 of the DNAH5 gene. It is expected to disrupt RNA splicing. Variants that disrupt the donor or acceptor splice site typically lead to a loss of protein function (PMID: 16199547), and loss-of-function variants in DNAH5 are known to be pathogenic (PMID: 11788826, 16627867). This variant is not present in population databases (gnomAD no frequency). This variant has not been reported in the literature in individuals affected with DNAH5-related conditions. Algorithms developed to predict the effect of sequence changes on RNA splicing suggest that this variant may disrupt the consensus splice site. In summary, the currently available evidence indicates that the variant is pathogenic, but additional data are needed to prove that conclusively. Therefore, this variant has been classified as Likely Pathogenic.

Literature cited by the submitters: PubMed 16199547; PubMed 11788826; PubMed 16627867.

NM_001369.3(DNAH5):c.12280-2_12280-1del

Gene: DNAH5 (dynein axonemal heavy chain 5; minus strand). Cytogenetic location: 5p15.2.
Variant type: Deletion.
Coding change: c.12280-2_12280-1del on transcript NM_001369.3 (MANE Select); the canonical splice acceptor site of the intron before coding-DNA position 12280, 2 bases deleted (AG; older notation c.12280-2_12280-1delAG).
Molecular consequence: splice acceptor variant.
Genome position (GRCh38, 1-based): chr5:13,719,102-13,719,103, CT deleted on the plus strand (AG on the coding strand, the reverse complement: DNAH5 is on the minus strand). VCF-style (leftmost placement, unchanged base first): chr5-13719101-CCT-C. GRCh37 (hg19) VCF-style: chr5-13719210-CCT-C.
Identifiers: ClinVar variation 4729582 (VCV004729582.1).